The following is an entry in ClinVar:

ClinVar aggregate classification (germline): Uncertain significance (1 of 4 stars; one submission).

Conditions:
Hereditary nonpolyposis colorectal neoplasms. Identifiers: MedGen C0009405, MeSH D003123.

Submission:

Labcorp Genetics (formerly Invitae), Labcorp
Classification: Uncertain significance for Hereditary nonpolyposis colorectal neoplasms. Last evaluated: 2023-12-19. Review status: criteria provided, single submitter. Criteria: Invitae Variant Classification Sherloc (09022015). Collection method: clinical testing. Allele origin: germline.
Comment: This sequence change replaces glutamic acid, which is acidic and polar, with valine, which is neutral and non-polar, at codon 375 of the MSH6 protein (p.Glu375Val). This variant is not present in population databases (gnomAD no frequency). This variant has not been reported in the literature in individuals affected with MSH6-related conditions. Advanced modeling of protein sequence and biophysical properties (such as structural, functional, and spatial information, amino acid conservation, physicochemical variation, residue mobility, and thermodynamic stability) performed at Invitae indicates that this missense variant is not expected to disrupt MSH6 protein function with a negative predictive value of 95%. In summary, the available evidence is currently insufficient to determine the role of this variant in disease. Therefore, it has been classified as a Variant of Uncertain Significance.

NM_000179.3(MSH6):c.1124A>T (p.Glu375Val)

Gene: MSH6 (mutS homolog 6; plus strand). Cytogenetic location: 2p16.3.
Variant type: single nucleotide variant.
Coding change: c.1124A>T on transcript NM_000179.3 (MANE Select); coding-DNA position 1124, A replaced by T.
Protein change: p.Glu375Val; replaces glutamic acid 375 with valine.
Molecular consequence: missense variant. On other transcripts: non-coding transcript variant (4), intron variant (1).
Genome position (GRCh38, 1-based): chr2:47,799,107, A>T. VCF-style: chr2-47799107-A-T. GRCh37 (hg19) VCF-style: chr2-48026246-A-T.
Other names: c.218A>T, p.Glu73Val (NM_001281494.2, NM_001406814.1, NM_001406815.1 and 6 more transcripts); c.1220A>T, p.Glu407Val (NM_001406795.1, NM_001406802.1); c.1124A>T, p.Glu375Val (NM_001406796.1, NM_001406798.1, NM_001406800.1 and 4 more transcripts); c.827A>T, p.Glu276Val (NM_001406797.1, NM_001406801.1, NM_001406818.1 and 10 more transcripts); c.599A>T, p.Glu200Val (NM_001406799.1, NM_001406806.1, NM_001406807.1); c.734A>T, p.Glu245Val (NM_001281492.2); c.1046A>T, p.Glu349Val (NM_001406804.1); c.1130A>T, p.Glu377Val (NM_001406813.1); and 2 more; short protein forms E276V, E375V, E377V, E245V, E349V, E200V, E407V, E73V.
Identifiers: ClinVar variation 2704097 (VCV002704097.3), dbSNP rs2530590785, ClinGen allele CA346742046.